The following is an entry in ClinVar:

ClinVar aggregate classification (germline): Uncertain significance (1 of 4 stars; one submission).

Conditions:
Brachyolmia-amelogenesis imperfecta syndrome. Also called: Tooth agenesis, selective, 6; Dental anomalies and short stature; PLATYSPONDYLY WITH AMELOGENESIS IMPERFECTA. Identifiers: Orphanet 2899, MedGen C1832594, MONDO:0011018, OMIM 601216. Disease mechanism: loss of function.

Submission:

Labcorp Genetics (formerly Invitae), Labcorp
Classification: Uncertain significance for Brachyolmia-amelogenesis imperfecta syndrome. Last evaluated: 2022-03-20. Review status: criteria provided, single submitter. Criteria: Invitae Variant Classification Sherloc (09022015). Collection method: clinical testing. Allele origin: germline.
Comment: In summary, the available evidence is currently insufficient to determine the role of this variant in disease. Therefore, it has been classified as a Variant of Uncertain Significance. This variant has not been reported in the literature in individuals affected with LTBP3-related conditions. This variant is not present in population databases (gnomAD no frequency). This variant, c.1080_1085dup, results in the insertion of 2 amino acid(s) of the LTBP3 protein (p.Met361_Pro362dup), but otherwise preserves the integrity of the reading frame.

NM_001130144.3(LTBP3):c.1080_1085dup (p.Pro362_Gly363insMetPro)

Gene: LTBP3 (latent transforming growth factor beta binding protein 3; minus strand). Cytogenetic location: 11q13.1.
Variant type: Duplication.
Coding change: c.1080_1085dup on transcript NM_001130144.3 (MANE Select); coding-DNA positions 1080 to 1085, 6 bases duplicated (AATGCC; older notation c.1080_1085dupAATGCC).
Protein change: p.Pro362_Gly363insMetPro.
Molecular consequence: inframe insertion.
Genome position (GRCh38, 1-based): chr11:65,552,961-65,552,966, GGCATT duplicated on the plus strand (AATGCC on the coding strand, the reverse complement: LTBP3 is on the minus strand); duplicating any 6 consecutive bases within chr11:65,552,961-65,552,967 gives the same sequence; the c. name uses the placement nearest the transcript's 3' end. VCF-style (leftmost placement, unchanged base first): chr11-65552960-C-CGGCATT. GRCh37 (hg19) VCF-style: chr11-65320431-C-CGGCATT.
Other names: c.729_734dup, p.Pro245_Gly246insMetPro (NM_001164266.1); c.1080_1085dup, p.Pro362_Gly363insMetPro (NM_021070.4).
Identifiers: ClinVar variation 2115271 (VCV002115271.4), dbSNP rs2496172192, ClinGen allele CA2580084459.